The following is an entry in ClinVar:

ClinVar aggregate classification (germline): Likely benign (0 of 4 stars; one submission).

Conditions:
TTN-related disorder. Also called: TTN-related condition; TTN-related disease; TTN-related disorders.

Allele frequency attached by ClinVar (database versions not stated): gnomAD exomes below 0.00001.
gnomAD v4.1: 1 of 1,613,502 alleles (0.000062%); highest among the groups gnomAD compares: East Asian, 0.0022%; no homozygotes.

Submission:

PreventionGenetics, part of Exact Sciences
Classification: Likely benign for TTN-related condition. Last evaluated: 2022-02-23. Review status: no assertion criteria provided. Collection method: clinical testing. Allele origin: germline.
Comment: This variant is classified as likely benign based on ACMG/AMP sequence variant interpretation guidelines (Richards et al. 2015 PMID: 25741868, with internal and published modifications).

NM_001267550.2(TTN):c.75210C>G (p.Gly25070=)

Genes: TTN (titin; minus strand), TTN-AS1 (TTN antisense RNA 1; plus strand). Cytogenetic location: 2q31.2.
Variant type: single nucleotide variant.
Coding change: c.75210C>G on transcript NM_001267550.2 (MANE Select); coding-DNA position 75210, C replaced by G.
Protein change: p.Gly25070=; no amino-acid change (glycine 25070 retained).
Molecular consequence: synonymous variant.
Genome position (GRCh38, 1-based): chr2:178,570,922, G>C on the plus strand (C>G on the coding strand, the complement: TTN is on the minus strand). VCF-style: chr2-178570922-G-C. GRCh37 (hg19) VCF-style: chr2-179435649-G-C.
Other names: c.70287C>G, p.Gly23429= (NM_001256850.1); c.48015C>G, p.Gly16005= (NM_003319.4); c.67506C>G, p.Gly22502= (NM_133378.4); c.48390C>G, p.Gly16130= (NM_133432.3); c.48591C>G, p.Gly16197= (NM_133437.4).
Identifiers: ClinVar variation 3058532 (VCV003058532.2), dbSNP rs2468470387, ClinGen allele CA430255116.